The following is an entry in ClinVar:

ClinVar aggregate classification (germline): Uncertain significance. Review status: criteria provided, multiple submitters, no conflicts (2 of 4 stars). 2 submissions from 2 submitters: Uncertain significance (2). Last evaluated 2025-04-23.

Conditions:
Cardiovascular phenotype. Identifiers: MedGen CN230736.
Brugada syndrome. Also called: Sudden unexpected nocturnal death syndrome; Sudden unexplained nocturnal death syndrome; Sudden Unexplained Death Syndrome; Sudden Unexplained Nocturnal Death Syndrome (SUNDS). Identifiers: Orphanet 130, MedGen C1142166, MONDO:0015263.

Allele frequency attached by ClinVar (database versions not stated): gnomAD exomes below 0.00001 and 0.00001; ExAC 0.00002; TOPMed 0.00003; gnomAD 0.00006 and 0.00007; ESP Exome Variant Server 0.00008.
gnomAD v4.1: 21 of 1,562,616 alleles (0.0013%); highest among the groups gnomAD compares: Middle Eastern, 0.017%; no homozygotes.

Submissions (2):

Labcorp Genetics (formerly Invitae), Labcorp
Classification: Uncertain significance for Brugada syndrome. Last evaluated: 2025-04-23. Review status: criteria provided, single submitter. Criteria: Invitae Variant Classification Sherloc (09022015). Collection method: clinical testing. Allele origin: germline.
Comment: This sequence change falls in intron 19 of the CACNA2D1 gene. It does not directly change the encoded amino acid sequence of the CACNA2D1 protein. It affects a nucleotide within the consensus splice site. This variant is present in population databases (rs375174760, gnomAD 0.02%). This variant has not been reported in the literature in individuals affected with CACNA2D1-related conditions. ClinVar contains an entry for this variant (Variation ID: 1500454). Variants that disrupt the consensus splice site are a relatively common cause of aberrant splicing (PMID: 17576681, 9536098). Algorithms developed to predict the effect of sequence changes on RNA splicing suggest that this variant is not likely to affect RNA splicing. In summary, the available evidence is currently insufficient to determine the role of this variant in disease. Therefore, it has been classified as a Variant of Uncertain Significance.

Ambry Genetics
Classification: Uncertain significance for Cardiovascular phenotype. Last evaluated: 2023-11-15. Review status: criteria provided, single submitter. Criteria: Ambry Variant Classification Scheme 2023. Collection method: clinical testing. Allele origin: germline.
Comment: The c.1662+3G>A intronic variant results from a G to A substitution 3 nucleotides after coding exon 19 in the CACNA2D1 gene. This nucleotide position is well conserved in available vertebrate species. In silico splice site analysis predicts that this alteration will not have any significant effect on splicing. The evidence for this gene-disease relationship is limited; therefore, the clinical significance of this alteration is unclear.

Literature cited by the submitters: PubMed 17576681 (cited by Labcorp Genetics (formerly Invitae), Labcorp); PubMed 9536098 (cited by Labcorp Genetics (formerly Invitae), Labcorp).

NM_000722.4(CACNA2D1):c.1662+3G>A

Gene: CACNA2D1 (calcium voltage-gated channel auxiliary subunit alpha2delta 1; minus strand). Cytogenetic location: 7q21.11.
Variant type: single nucleotide variant.
Coding change: c.1662+3G>A on transcript NM_000722.4 (MANE Select); 3 bases into the intron after coding-DNA position 1662, G replaced by A.
Molecular consequence: intron variant.
Genome position (GRCh38, 1-based): chr7:81,997,176, C>T on the plus strand (G>A on the coding strand, the complement: CACNA2D1 is on the minus strand). VCF-style: chr7-81997176-C-T. GRCh37 (hg19) VCF-style: chr7-81626492-C-T.
Other names: c.1662+3G>A (NM_000722.2); c.1719+3G>A (NM_001366867.1).
Identifiers: ClinVar variation 1500454 (VCV001500454.7), dbSNP rs375174760, ClinGen allele CA4317957.